The following is an entry in ClinVar:

ClinVar aggregate classification (germline): Uncertain significance (1 of 4 stars; one submission).

Conditions:
PLXNA1-related disorder. Also called: PLXNA1-related condition.

gnomAD v4.1: 2 of 1,613,598 alleles (0.00012%); highest among the groups gnomAD compares: Middle Eastern, 0.033%; no homozygotes.

Submission:

PreventionGenetics, part of Exact Sciences
Classification: Uncertain significance for PLXNA1-related condition. Last evaluated: 2025-05-24. Review status: criteria provided, single submitter. Criteria: ACMG Guidelines, 2015. Collection method: clinical testing. Allele origin: germline.
Comment: The PLXNA1 c.4375G>T variant is predicted to result in premature protein termination (p.Glu1459*). To our knowledge, this variant has not been reported in the literature or in a large population database (gnomAD), indicating this variant is rare. Loss-of-function has not been established as a disease mechanism for this gene. Although we suspect that this variant may be pathogenic, at this time, the clinical significance of this variant is uncertain due to the absence of conclusive functional and genetic evidence.

NM_032242.4(PLXNA1):c.4375G>T (p.Glu1459Ter)

Gene: PLXNA1 (plexin A1; plus strand). Cytogenetic location: 3q21.3.
Variant type: single nucleotide variant.
Coding change: c.4375G>T on transcript NM_032242.4 (MANE Select); coding-DNA position 4375, G replaced by T.
Protein change: p.Glu1459Ter; replaces glutamic acid 1459 with a stop codon.
Molecular consequence: nonsense.
Genome position (GRCh38, 1-based): chr3:127,027,952, G>T. VCF-style: chr3-127027952-G-T. GRCh37 (hg19) VCF-style: chr3-126746795-G-T.
Other names: short protein forms E1459*.
Identifiers: ClinVar variation 4987769 (VCV004987769.1).
Genomic context (GRCh38, chr3:127,027,952, plus strand): 5'-GGTAGGCCCGGGGGTCCTGGCTGCAGCCTCATGCCGCCACCCCCGCAGGAGTGCGCTGGG[G>T]AGCCGCTGTTCATGCTGTACTGCGCCATCAAGCAGCAGATGGAGAAGGGCCCCATTGACG-3'